The following is an entry in ClinVar:

NM_001492.6(GDF1):c.458C>T (p.Ala153Val)

Genes: CERS1 (ceramide synthase 1; minus strand), GDF1 (growth differentiation factor 1; minus strand). Cytogenetic location: 19p13.11.
Variant type: single nucleotide variant.
Coding change: c.458C>T on transcript NM_001492.6 (MANE Select); coding-DNA position 458, C replaced by T.
Protein change: p.Ala153Val; replaces alanine 153 with valine.
Molecular consequence: missense variant. On other transcripts: 3 prime UTR variant (2).
Genome position (GRCh38, 1-based): chr19:18,869,258, G>A on the plus strand (C>T on the coding strand, the complement: GDF1 is on the minus strand). VCF-style: chr19-18869258-G-A. GRCh37 (hg19) VCF-style: chr19-18980067-G-A.
Other names: c.*1319C>T (NM_001387440.1); c.*727C>T (NM_021267.5); c.458C>T, p.Ala153Val (NM_001387438.1); short protein forms A153V.
Identifiers: ClinVar variation 837752 (VCV000837752.10), dbSNP rs1305548087, ClinGen allele CA404863233.

ClinVar aggregate classification (germline): Uncertain significance (1 of 4 stars; one submission).

Submission:

Labcorp Genetics (formerly Invitae), Labcorp
Classification: Uncertain significance. Last evaluated: 2019-11-30. Review status: criteria provided, single submitter. Criteria: Invitae Variant Classification Sherloc (09022015). Collection method: clinical testing. Allele origin: germline.
Comment: Algorithms developed to predict the effect of missense changes on protein structure and function are either unavailable or do not agree on the potential impact of this missense change (SIFT: "Tolerated"; PolyPhen-2: "Possibly Damaging"; Align-GVGD: "Class C0"). This sequence change replaces alanine with valine at codon 153 of the GDF1 protein (p.Ala153Val). The alanine residue is moderately conserved and there is a small physicochemical difference between alanine and valine. The frequency data for this variant in the population databases is considered unreliable, as metrics indicate insufficient coverage at this position in the ExAC database. This variant has not been reported in the literature in individuals with GDF1-related conditions. In summary, the available evidence is currently insufficient to determine the role of this variant in disease. Therefore, it has been classified as a Variant of Uncertain Significance.